The following is an entry in ClinVar:

ClinVar aggregate classification (germline): Uncertain significance (1 of 4 stars; one submission).

Conditions:
Hereditary spastic paraplegia 39 (SPG39). Also called: Spastic Paraplegia Type 39 (SPG39); SPASTIC PARAPLEGIA 39, AUTOSOMAL RECESSIVE. Identifiers: Orphanet 139480, MedGen C2677586, MONDO:0012787, OMIM 612020.

Submission:

Labcorp Genetics (formerly Invitae), Labcorp
Classification: Uncertain significance for Hereditary spastic paraplegia 39. Last evaluated: 2021-12-24. Review status: criteria provided, single submitter. Criteria: Invitae Variant Classification Sherloc (09022015). Collection method: clinical testing. Allele origin: germline.
Comment: This sequence change replaces aspartic acid, which is acidic and polar, with asparagine, which is neutral and polar, at codon 1266 of the PNPLA6 protein (p.Asp1266Asn). This variant is not present in population databases (gnomAD no frequency). This variant has not been reported in the literature in individuals affected with PNPLA6-related conditions. Algorithms developed to predict the effect of missense changes on protein structure and function (SIFT, PolyPhen-2, Align-GVGD) all suggest that this variant is likely to be tolerated. In summary, the available evidence is currently insufficient to determine the role of this variant in disease. Therefore, it has been classified as a Variant of Uncertain Significance.

NM_001166114.2(PNPLA6):c.3910G>A (p.Asp1304Asn)

Gene: PNPLA6 (patatin like domain 6, lysophospholipase; plus strand). Cytogenetic location: 19p13.2.
Variant type: single nucleotide variant.
Coding change: c.3910G>A on transcript NM_001166114.2 (MANE Select); coding-DNA position 3910, G replaced by A.
Protein change: p.Asp1304Asn; replaces aspartic acid 1304 with asparagine.
Molecular consequence: missense variant.
Genome position (GRCh38, 1-based): chr19:7,561,107, G>A. VCF-style: chr19-7561107-G-A. GRCh37 (hg19) VCF-style: chr19-7625993-G-A.
Other names: c.3940G>A, p.Asp1314Asn (NM_001166111.2); c.3715G>A, p.Asp1239Asn (NM_001166112.2); c.3796G>A, p.Asp1266Asn (NM_001166113.1, NM_006702.5); short protein forms D1239N, D1266N, D1314N, D1304N.
Identifiers: ClinVar variation 2058927 (VCV002058927.4), dbSNP rs2512580089, ClinGen allele CA403138817.